The following is an entry in ClinVar:

NM_001876.4(CPT1A):c.51C>T (p.Asp17=)

Gene: CPT1A (carnitine palmitoyltransferase 1A; minus strand). Cytogenetic location: 11q13.3.
Variant type: single nucleotide variant.
Coding change: c.51C>T on transcript NM_001876.4 (MANE Select); coding-DNA position 51, C replaced by T.
Protein change: p.Asp17=; no amino-acid change (aspartic acid 17 retained).
Molecular consequence: synonymous variant.
Genome position (GRCh38, 1-based): chr11:68,815,424, G>A on the plus strand (C>T on the coding strand, the complement: CPT1A is on the minus strand). VCF-style: chr11-68815424-G-A. GRCh37 (hg19) VCF-style: chr11-68582892-G-A.
Other names: c.51C>T (NM_001876.3); c.51C>T, p.Asp17= (NM_001031847.3).
Identifiers: ClinVar variation 1141588 (VCV001141588.11), dbSNP rs750719349, ClinGen allele CA6152796.

ClinVar aggregate classification (germline): Likely benign. Review status: criteria provided, single submitter (1 of 4 stars). 2 submissions from 2 submitters: Likely benign (1). 1 of the submissions does not count toward it. Last evaluated 2025-09-28.

Conditions:
Carnitine palmitoyl transferase 1A deficiency. Also called: CPT I DEFICIENCY; CPT DEFICIENCY, HEPATIC, TYPE I; Carnitine palmitoyltransferase type I deficiency; Carnitine palmitoyltransferase 1A deficiency; CPT deficiency, hepatic, type IA. Identifiers: Orphanet 156, MedGen C1829703, MONDO:0009705, OMIM 255120.
CPT1A-related disorder. Also called: CPT1A-related condition.

Allele frequency attached by ClinVar (database versions not stated): ExAC 0.00001; gnomAD exomes 0.00001; gnomAD 0.00002 and 0.00003; TOPMed 0.00010.
gnomAD v4.1: 22 of 1,613,962 alleles (0.0014%); highest among the groups gnomAD compares: Admixed American, 0.0067%; no homozygotes.

Submissions (2):

Labcorp Genetics (formerly Invitae), Labcorp
Classification: Likely benign for Carnitine palmitoyl transferase 1A deficiency. Last evaluated: 2025-09-28. Review status: criteria provided, single submitter. Criteria: Invitae Variant Classification Sherloc (09022015). Collection method: clinical testing. Allele origin: germline.

PreventionGenetics, part of Exact Sciences
Classification: Likely benign for CPT1A-related condition. Last evaluated: 2019-04-22. Review status: no assertion criteria provided. Collection method: clinical testing. Allele origin: germline. Not counted in ClinVar's aggregate classification.
Comment: This variant is classified as likely benign based on ACMG/AMP sequence variant interpretation guidelines (Richards et al. 2015 PMID: 25741868, with internal and published modifications).